The following is an entry in ClinVar:

NM_001025356.3(ANO6):c.2241G>A (p.Ser747=)

Gene: ANO6 (anoctamin 6; plus strand). Cytogenetic location: 12q12.
Variant type: single nucleotide variant.
Coding change: c.2241G>A on transcript NM_001025356.3 (MANE Select); coding-DNA position 2241, G replaced by A.
Protein change: p.Ser747=; no amino-acid change (serine 747 retained).
Molecular consequence: synonymous variant.
Genome position (GRCh38, 1-based): chr12:45,421,094, G>A. VCF-style: chr12-45421094-G-A. GRCh37 (hg19) VCF-style: chr12-45814877-G-A.
Other names: c.2187G>A, p.Ser729= (NM_001142678.2); c.2241G>A, p.Ser747= (NM_001142679.2); c.2304G>A, p.Ser768= (NM_001204803.2); c.2208G>A, p.Ser736= (NM_001410973.1).
Identifiers: ClinVar variation 2717136 (VCV002717136.4), dbSNP rs775982074, ClinGen allele CA6525566.

ClinVar aggregate classification (germline): Conflicting classifications of pathogenicity. Review status: criteria provided, conflicting classifications (1 of 4 stars). 2 submissions from 2 submitters: Uncertain significance (1); Likely benign (1). Last evaluated 2025-12-29.

Allele frequency attached by ClinVar (database versions not stated): gnomAD exomes 0.00003; gnomAD 0.00005; TOPMed 0.00005; ExAC 0.00008.
gnomAD v4.1: 55 of 1,614,010 alleles (0.0034%); highest among the groups gnomAD compares: East Asian, 0.042%; 1 homozygote.

Submissions (2):

Labcorp Genetics (formerly Invitae), Labcorp
Classification: Likely benign. Last evaluated: 2025-12-29. Review status: criteria provided, single submitter. Criteria: Invitae Variant Classification Sherloc (09022015). Collection method: clinical testing. Allele origin: germline.

Women's Health and Genetics/Laboratory Corporation of America, LabCorp
Classification: Uncertain significance. Last evaluated: 2024-10-25. Review status: criteria provided, single submitter. Criteria: LabCorp Variant Classification Summary - May 2015. Collection method: clinical testing. Allele origin: germline.
Comment: Variant summary: ANO6 c.2241G>A alters a conserved nucleotide resulting in a synonymous change. Several computational tools predict a significant impact on normal splicing: Two predict the variant creates a 5' donor site. However, these predictions have yet to be confirmed by functional studies. The variant allele was found at a frequency of 9.9e-05 in 251396 control chromosomes in the gnomAD database, including 1 homozygote. This frequency is not significantly higher than estimated for a pathogenic variant in ANO6 causing Scott Syndrome, allowing no conclusion about variant significance. To our knowledge, no occurrence of c.2241G>A in individuals affected with Scott Syndrome and no experimental evidence demonstrating its impact on protein function have been reported. ClinVar contains an entry for this variant (Variation ID: 2717136). Based on the evidence outlined above, the variant was classified as uncertain significance.